The following is an entry in ClinVar:

NM_006929.5(SKIC2):c.954C>T (p.Ala318=)

Genes: SKIC2 (SKI2 subunit of superkiller complex; plus strand), LOC126859653 (CDK7 strongly-dependent group 2 enhancer GRCh37_chr6:31929542-31930741; plus strand). Cytogenetic location: 6p21.33.
Variant type: single nucleotide variant.
Coding change: c.954C>T on transcript NM_006929.5 (MANE Select); coding-DNA position 954, C replaced by T.
Protein change: p.Ala318=; no amino-acid change (alanine 318 retained).
Molecular consequence: synonymous variant.
Genome position (GRCh38, 1-based): chr6:31,961,944, C>T. VCF-style: chr6-31961944-C-T. GRCh37 (hg19) VCF-style: chr6-31929721-C-T.
Identifiers: ClinVar variation 356322 (VCV000356322.33), dbSNP rs577271106, ClinGen allele CA3729305.

ClinVar aggregate classification (germline): Conflicting classifications of pathogenicity. Review status: criteria provided, conflicting classifications (1 of 4 stars). 3 submissions from 3 submitters: Uncertain significance (1); Likely benign (2). Last evaluated 2025-07-27.

Conditions:
Trichohepatoenteric syndrome 2 (THES2). Identifiers: Orphanet 84064, MedGen C3281289, MONDO:0013818, OMIM 614602.

Allele frequency attached by ClinVar (database versions not stated): gnomAD 0.00001; gnomAD exomes 0.00002 and 0.00004; TOPMed 0.00002; ExAC 0.00004; 1000 Genomes Project 30x 0.00016; 1000 Genomes Project 0.00020.
gnomAD v4.1: 28 of 1,613,056 alleles (0.0017%); highest among the groups gnomAD compares: Middle Eastern, 0.017%; no homozygotes.

Submissions (3):

Labcorp Genetics (formerly Invitae), Labcorp
Classification: Likely benign. Last evaluated: 2025-07-27. Review status: criteria provided, single submitter. Criteria: Invitae Variant Classification Sherloc (09022015). Collection method: clinical testing. Allele origin: germline.

CeGaT Center for Human Genetics Tuebingen
Classification: Likely benign. Last evaluated: 2023-07-01. Review status: criteria provided, single submitter. Criteria: CeGaT Center For Human Genetics Tuebingen Variant Classification Criteria Version 2. Collection method: clinical testing. Allele origin: germline. Affected: yes. Observed: 1 variant allele.
Comment: SKIC2: BP4, BP7

Illumina Laboratory Services, Illumina
Classification: Uncertain significance for Trichohepatoenteric syndrome 2. Last evaluated: 2018-01-12. Review status: criteria provided, single submitter. Criteria: ICSL Variant Classification Criteria 13 December 2019. Collection method: clinical testing. Allele origin: germline.